The following is an entry in ClinVar:

NM_000038.6(APC):c.5343A>C (p.Gln1781His)

Gene: APC (APC regulator of Wnt signaling pathway; plus strand). Cytogenetic location: 5q22.2.
Variant type: single nucleotide variant.
Coding change: c.5343A>C on transcript NM_000038.6 (MANE Select); coding-DNA position 5343, A replaced by C.
Protein change: p.Gln1781His; replaces glutamine 1781 with histidine.
Molecular consequence: missense variant.
Genome position (GRCh38, 1-based): chr5:112,840,937, A>C. VCF-style: chr5-112840937-A-C. GRCh37 (hg19) VCF-style: chr5-112176634-A-C.
Other names: c.5343A>C, p.Gln1781His (NM_001127510.3, NM_001354895.2); c.5289A>C, p.Gln1763His (NM_001127511.3); c.5397A>C, p.Gln1799His (NM_001354896.2); c.5373A>C, p.Gln1791His (NM_001354897.2); c.5268A>C, p.Gln1756His (NM_001354898.2); c.5259A>C, p.Gln1753His (NM_001354899.2); c.5220A>C, p.Gln1740His (NM_001354900.2); c.5166A>C, p.Gln1722His (NM_001354901.2); and 5 more; short protein forms Q1740H, Q1791H, Q1498H, Q1690H, Q1753H, Q1621H, Q1655H, Q1680H.
Identifiers: ClinVar variation 1501166 (VCV001501166.6), dbSNP rs2149937953, ClinGen allele CA16033009.

ClinVar aggregate classification (germline): Uncertain significance (1 of 4 stars; one submission).

Conditions:
Familial adenomatous polyposis 1 (FAP1). Also called: FAMILIAL ADENOMATOUS POLYPOSIS 1, ATTENUATED; POLYPOSIS, ADENOMATOUS INTESTINAL. Identifiers: MedGen C2713442, MONDO:0021056, OMIM 175100. Disease mechanism: loss of function.

Submission:

Labcorp Genetics (formerly Invitae), Labcorp
Classification: Uncertain significance for Familial adenomatous polyposis 1. Last evaluated: 2022-06-27. Review status: criteria provided, single submitter. Criteria: Invitae Variant Classification Sherloc (09022015). Collection method: clinical testing. Allele origin: germline.
Comment: In summary, the available evidence is currently insufficient to determine the role of this variant in disease. Therefore, it has been classified as a Variant of Uncertain Significance. Algorithms developed to predict the effect of missense changes on protein structure and function are either unavailable or do not agree on the potential impact of this missense change (SIFT: "Deleterious"; PolyPhen-2: "Probably Damaging"; Align-GVGD: "Class C0"). This variant has not been reported in the literature in individuals affected with APC-related conditions. This variant is not present in population databases (gnomAD no frequency). This sequence change replaces glutamine, which is neutral and polar, with histidine, which is basic and polar, at codon 1781 of the APC protein (p.Gln1781His).